The following is an entry in ClinVar:

ClinVar aggregate classification (germline): Uncertain significance. Review status: criteria provided, multiple submitters, no conflicts (2 of 4 stars). 2 submissions from 2 submitters: Uncertain significance (2). Last evaluated 2022-05-29.

Conditions:
Primary ciliary dyskinesia. Also called: Ciliary dyskinesia. Identifiers: Orphanet 244, MedGen C0008780, MONDO:0016575, HP:0012265.

gnomAD v4.1: 14 of 1,613,522 alleles (0.00087%); highest among the groups gnomAD compares: South Asian, 0.015%; no homozygotes.

Submissions (2):

Labcorp Genetics (formerly Invitae), Labcorp
Classification: Uncertain significance for Primary ciliary dyskinesia. Last evaluated: 2022-05-29. Review status: criteria provided, single submitter. Criteria: Invitae Variant Classification Sherloc (09022015). Collection method: clinical testing. Allele origin: germline.
Comment: This variant has not been reported in the literature in individuals affected with DNAAF2-related conditions. In summary, the available evidence is currently insufficient to determine the role of this variant in disease. Therefore, it has been classified as a Variant of Uncertain Significance. Algorithms developed to predict the effect of missense changes on protein structure and function output the following: SIFT: "Tolerated"; PolyPhen-2: "Benign"; Align-GVGD: "Class C0". The lysine amino acid residue is found in multiple mammalian species, which suggests that this missense change does not adversely affect protein function. This variant is present in population databases (rs778899267, gnomAD 0.02%). This sequence change replaces glutamic acid, which is acidic and polar, with lysine, which is basic and polar, at codon 780 of the DNAAF2 protein (p.Glu780Lys).

Ambry Genetics
Classification: Uncertain significance for Primary ciliary dyskinesia. Last evaluated: 2021-12-06. Review status: criteria provided, single submitter. Criteria: Ambry Variant Classification Scheme 2023. Collection method: clinical testing. Allele origin: germline.

NM_018139.3(DNAAF2):c.2338G>A (p.Glu780Lys)

Gene: DNAAF2 (dynein axonemal assembly factor 2; minus strand). Cytogenetic location: 14q21.3.
Variant type: single nucleotide variant.
Coding change: c.2338G>A on transcript NM_018139.3 (MANE Select); coding-DNA position 2338, G replaced by A.
Protein change: p.Glu780Lys; replaces glutamic acid 780 with lysine.
Molecular consequence: missense variant.
Genome position (GRCh38, 1-based): chr14:49,625,718, C>T on the plus strand (G>A on the coding strand, the complement: DNAAF2 is on the minus strand). VCF-style: chr14-49625718-C-T. GRCh37 (hg19) VCF-style: chr14-50092436-C-T.
Other names: c.2194G>A, p.Glu732Lys (NM_001083908.2); c.127G>A, p.Glu43Lys (NM_001378453.1); c.2338G>A (NM_018139.2); short protein forms E732K, E780K, E43K.
Identifiers: ClinVar variation 2159775 (VCV002159775.5), dbSNP rs778899267, ClinGen allele CA7172718.